The following is an entry in ClinVar:

ClinVar aggregate classification (germline): Uncertain significance (1 of 4 stars; one submission).

Conditions:
Hepatic veno-occlusive disease-immunodeficiency syndrome. Also called: Hepatic Veno-Occlusive Disease with Immunodeficiency. Identifiers: Orphanet 79124, MedGen C1856128, MONDO:0009338, OMIM 235550. Disease mechanism: loss of function.

Allele frequency attached by ClinVar (database versions not stated): ExAC 0.00001; gnomAD 0.00004; TOPMed 0.00004.
gnomAD v4.1: 25 of 1,613,996 alleles (0.0015%); highest among the groups gnomAD compares: African/African-American, 0.0067%; no homozygotes.

Submission:

Labcorp Genetics (formerly Invitae), Labcorp
Classification: Uncertain significance for Hepatic veno-occlusive disease-immunodeficiency syndrome. Last evaluated: 2022-03-20. Review status: criteria provided, single submitter. Criteria: Invitae Variant Classification Sherloc (09022015). Collection method: clinical testing. Allele origin: germline.
Comment: This sequence change replaces arginine, which is basic and polar, with histidine, which is basic and polar, at codon 91 of the SP110 protein (p.Arg91His). The frequency data for this variant in the population databases is considered unreliable, as metrics indicate poor data quality at this position in the gnomAD database. This variant has not been reported in the literature in individuals affected with SP110-related conditions. Algorithms developed to predict the effect of missense changes on protein structure and function output the following: SIFT: "Tolerated"; PolyPhen-2: "Benign"; Align-GVGD: "Class C0". The histidine amino acid residue is found in multiple mammalian species, which suggests that this missense change does not adversely affect protein function. In summary, the available evidence is currently insufficient to determine the role of this variant in disease. Therefore, it has been classified as a Variant of Uncertain Significance.

NM_080424.4(SP110):c.272G>A (p.Arg91His)

Genes: SP140 (SP140 nuclear body protein; plus strand), SP110 (SP110 nuclear body protein; minus strand). Cytogenetic location: 2q37.1.
Variant type: single nucleotide variant.
Coding change: c.272G>A on transcript NM_080424.4 (MANE Select); coding-DNA position 272, G replaced by A.
Protein change: p.Arg91His; replaces arginine 91 with histidine.
Molecular consequence: missense variant.
Genome position (GRCh38, 1-based): chr2:230,214,994, C>T on the plus strand (G>A on the coding strand, the complement: SP110 is on the minus strand). VCF-style: chr2-230214994-C-T. GRCh37 (hg19) VCF-style: chr2-231079709-C-T.
Other names: c.290G>A, p.Arg97His (NM_001185015.2, NM_001378442.1, NM_001378444.1 and 2 more transcripts); c.272G>A, p.Arg91His (NM_001378443.1, NM_001378447.1, NM_004509.5 and 1 more transcripts); short protein forms R91H, R97H.
Identifiers: ClinVar variation 2199312 (VCV002199312.1), dbSNP rs779122774, ClinGen allele CA2154872.